The following is an entry in ClinVar:

ClinVar aggregate classification (germline): Pathogenic. Review status: criteria provided, multiple submitters, no conflicts (2 of 4 stars). 3 submissions from 3 submitters: Pathogenic (3). Last evaluated 2025-06-09.

Conditions:
Congenital glucose-galactose malabsorption (GGM). Also called: DIARRHEA 16; MONOSACCHARIDE MALABSORPTION. Identifiers: Orphanet 35710, MedGen C0268186, MONDO:0011731, OMIM 606824.

Allele frequency attached by ClinVar (database versions not stated): gnomAD exomes 0.00001; gnomAD 0.00003; TOPMed 0.00003.
gnomAD v4.1: 17 of 1,613,884 alleles (0.0011%); highest among the groups gnomAD compares: African/African-American, 0.0027%; no homozygotes.

Submissions (3):

Labcorp Genetics (formerly Invitae), Labcorp
Classification: Pathogenic for Congenital glucose-galactose malabsorption. Last evaluated: 2025-06-09. Review status: criteria provided, single submitter. Criteria: Invitae Variant Classification Sherloc (09022015). Collection method: clinical testing. Allele origin: germline.
Comment: This sequence change creates a premature translational stop signal (p.Arg63*) in the SLC5A1 gene. It is expected to result in an absent or disrupted protein product. Loss-of-function variants in SLC5A1 are known to be pathogenic (PMID: 8563765). This variant is present in population databases (rs202166715, gnomAD 0.002%). This premature translational stop signal has been observed in individual(s) with glucose-galactose malabsorption (PMID: 14673631, 28283348). In at least one individual the data is consistent with being in trans (on the opposite chromosome) from a pathogenic variant. ClinVar contains an entry for this variant (Variation ID: 973540). For these reasons, this variant has been classified as Pathogenic.

Fulgent Genetics
Classification: Pathogenic for Congenital glucose-galactose malabsorption. Last evaluated: 2024-03-30. Review status: criteria provided, single submitter. Criteria: ACMG Guidelines, 2015. Collection method: clinical testing. Allele origin: germline.

CENTOGENE GmbH and LLC - Guiding Precision Medicine
Classification: Pathogenic for Glucose/galactose malabsorption. Review status: criteria provided, single submitter. Criteria: ACMG Guidelines, 2015. Collection method: clinical testing. Allele origin: germline. Affected: yes.

Literature cited by the submitters: PubMed 8563765 (cited by Labcorp Genetics (formerly Invitae), Labcorp); PubMed 14673631 (cited by Labcorp Genetics (formerly Invitae), Labcorp); PubMed 28283348 (cited by Labcorp Genetics (formerly Invitae), Labcorp).

NM_000343.4(SLC5A1):c.187C>T (p.Arg63Ter)

Gene: SLC5A1 (solute carrier family 5 member 1; plus strand). Cytogenetic location: 22q12.3.
Variant type: single nucleotide variant.
Coding change: c.187C>T on transcript NM_000343.4 (MANE Select); coding-DNA position 187, C replaced by T.
Protein change: p.Arg63Ter; replaces arginine 63 with a stop codon.
Molecular consequence: nonsense.
Genome position (GRCh38, 1-based): chr22:32,049,994, C>T. VCF-style: chr22-32049994-C-T. GRCh37 (hg19) VCF-style: chr22-32445981-C-T.
Other names: short protein forms R63*.
Identifiers: ClinVar variation 973540 (VCV000973540.10), dbSNP rs202166715, ClinGen allele CA10197873.